The following is an entry in ClinVar:

NM_000021.4(PSEN1):c.*1690T>C

Gene: PSEN1 (presenilin 1; plus strand). Cytogenetic location: 14q24.2.
Variant type: single nucleotide variant.
Coding change: c.*1690T>C on transcript NM_000021.4 (MANE Select); 1690 bases downstream of the stop codon, T replaced by C.
Molecular consequence: 3 prime UTR variant.
Genome position (GRCh38, 1-based): chr14:73,220,979, T>C. VCF-style: chr14-73220979-T-C. GRCh37 (hg19) VCF-style: chr14-73687687-T-C.
Other names: c.*1690T>C (NM_007318.3).
Identifiers: ClinVar variation 313970 (VCV000313970.5), dbSNP rs10143618, ClinGen allele CA10644652.

ClinVar aggregate classification (germline): Benign/Likely benign. Review status: criteria provided, single submitter (1 of 4 stars). 2 submissions from 1 submitter: Benign (1); Likely benign (1). Last evaluated 2018-01-13.

Conditions:
Dilated cardiomyopathy 1U. Identifiers: Orphanet 154, MedGen C3160720, MONDO:0013371, OMIM 613694.
Alzheimer disease 3 (AD3). Also called: ALZHEIMER DISEASE, FAMILIAL, 3. Identifiers: Orphanet 1020, MedGen C1843013, MONDO:0011913, OMIM 607822.

Allele frequency attached by ClinVar (database versions not stated): gnomAD 0.01509 and 0.01604; TOPMed 0.01709; 1000 Genomes Project 0.02256; 1000 Genomes Project 30x 0.02374.

Submissions (2):

Illumina Laboratory Services, Illumina
Classification: Likely benign for Dilated cardiomyopathy 1U. Last evaluated: 2018-01-13. Review status: criteria provided, single submitter. Criteria: ICSL Variant Classification Criteria 13 December 2019. Collection method: clinical testing. Allele origin: germline.
Comment: This variant was observed in the ICSL laboratory as part of a predisposition screen in an ostensibly healthy population. It had not been previously curated by ICSL or reported in the Human Gene Mutation Database (HGMD: prior to June 1st, 2018), and was therefore a candidate for classification through an automated scoring system. Utilizing variant allele frequency, disease prevalence and penetrance estimates, and inheritance mode, an automated score was calculated to assess if this variant is too frequent to cause the disease. Based on the score and internal cut-off values, a variant classified as likely benign is not then subjected to further curation. The score for this variant resulted in a classification of likely benign for this disease.

Illumina Laboratory Services, Illumina
Classification: Benign for Alzheimer disease 3. Last evaluated: 2018-01-13. Review status: criteria provided, single submitter. Criteria: ICSL Variant Classification Criteria 13 December 2019. Collection method: clinical testing. Allele origin: germline.
Comment: This variant was observed in the ICSL laboratory as part of a predisposition screen in an ostensibly healthy population. It had not been previously curated by ICSL or reported in the Human Gene Mutation Database (HGMD: prior to June 1st, 2018), and was therefore a candidate for classification through an automated scoring system. Utilizing variant allele frequency, disease prevalence and penetrance estimates, and inheritance mode, an automated score was calculated to assess if this variant is too frequent to cause the disease. Based on the score and internal cut-off values, a variant classified as benign is not then subjected to further curation. The score for this variant resulted in a classification of benign for this disease.